The following is an entry in ClinVar:

ClinVar aggregate classification (germline): Likely benign. Review status: criteria provided, multiple submitters, no conflicts (2 of 4 stars). 2 submissions from 2 submitters: Likely benign (2). Last evaluated 2023-10-01.

Conditions:
Microcephaly-intellectual disability-sensorineural hearing loss-epilepsy-abnormal muscle tone syndrome (NEDHSB). Also called: NEURODEVELOPMENTAL DISORDER WITH HEARING LOSS, SEIZURES, AND BRAIN ABNORMALITIES. Identifiers: Orphanet 457351, MedGen C4225276, MONDO:0014698, OMIM 616577.

Allele frequency attached by ClinVar (database versions not stated): gnomAD 0.00001; gnomAD exomes 0.00001.
gnomAD v4.1: 6 of 1,614,118 alleles (0.00037%); highest among the groups gnomAD compares: Non-Finnish European, 0.00051%; no homozygotes.

Submissions (2):

CeGaT Center for Human Genetics Tuebingen
Classification: Likely benign. Last evaluated: 2023-10-01. Review status: criteria provided, single submitter. Criteria: CeGaT Center For Human Genetics Tuebingen Variant Classification Criteria Version 2. Collection method: clinical testing. Allele origin: germline. Affected: yes. Observed: 1 variant allele.
Comment: AFG2A: BP4, BP7

Labcorp Genetics (formerly Invitae), Labcorp
Classification: Likely benign for Microcephaly-intellectual disability-sensorineural hearing loss-epilepsy-abnormal muscle tone syndrome. Last evaluated: 2021-09-27. Review status: criteria provided, single submitter. Criteria: Invitae Variant Classification Sherloc (09022015). Collection method: clinical testing. Allele origin: germline.

NM_145207.3(AFG2A):c.102T>A (p.Ser34=)

Gene: AFG2A (AAA ATPase AFG2A; plus strand). Cytogenetic location: 4q28.1.
Variant type: single nucleotide variant.
Coding change: c.102T>A on transcript NM_145207.3 (MANE Select); coding-DNA position 102, T replaced by A.
Protein change: p.Ser34=; no amino-acid change (serine 34 retained).
Molecular consequence: synonymous variant.
Genome position (GRCh38, 1-based): chr4:122,923,244, T>A. VCF-style: chr4-122923244-T-A. GRCh37 (hg19) VCF-style: chr4-123844399-T-A.
Other names: c.102T>A, p.Ser34= (NM_001317799.2, NM_001345856.2).
Identifiers: ClinVar variation 1659978 (VCV001659978.31), dbSNP rs1728172201, ClinGen allele CA441203629.